The following is an entry in ClinVar:

NM_001370259.2(MEN1):c.1450C>T (p.Arg484Trp)

Gene: MEN1 (menin 1; minus strand). Cytogenetic location: 11q13.1.
Variant type: single nucleotide variant.
Coding change: c.1450C>T on transcript NM_001370259.2 (MANE Select); coding-DNA position 1450, C replaced by T.
Protein change: p.Arg484Trp; replaces arginine 484 with tryptophan.
Molecular consequence: missense variant.
Genome position (GRCh38, 1-based): chr11:64,804,717, G>A on the plus strand (C>T on the coding strand, the complement: MEN1 is on the minus strand). VCF-style: chr11-64804717-G-A. GRCh37 (hg19) VCF-style: chr11-64572189-G-A.
Other names: c.1465C>T, p.Arg489Trp (NM_000244.4, NM_130800.3, NM_130801.3 and 3 more transcripts); c.1576C>T, p.Arg526Trp (NM_001370251.2); c.1450C>T, p.Arg484Trp (NM_001370260.2, NM_001370261.2, NM_130799.3); c.1345C>T, p.Arg449Trp (NM_001370262.2, NM_001370263.2); short protein forms R489W, R526W, R449W, R484W.
Identifiers: ClinVar variation 951780 (VCV000951780.9), dbSNP rs1941548479, ClinGen allele CA381179255.
Genomic context (GRCh38, chr11:64,804,717, plus strand): 5'-GGCCCTTGTCCAGTGCTGGCTTCTTGGGCGGCGGGGGCTCCTCTGGCTTGGACTCCCGCC[G>A]TGGGCCCCGCCGCCGGCCTTCCCGGGCTTCCTCGCCCCACGGCTCCTCGGCCTCGGCCGC-3'
Protein context (NP_001357188.2, residues 474-494): EAREGRRRGP[Arg484Trp]RESKPEEPPP

ClinVar aggregate classification (germline): Uncertain significance. Review status: criteria provided, multiple submitters, no conflicts (2 of 4 stars). 3 submissions from 3 submitters: Uncertain significance (3). Last evaluated 2025-09-05.

Conditions:
Hereditary cancer-predisposing syndrome. Also called: Hereditary neoplastic syndrome; Tumor predisposition; Neoplastic Syndromes, Hereditary; Hereditary Cancer Syndrome. Identifiers: Orphanet 140162, MedGen C0027672, MeSH D009386, MONDO:0015356.
Multiple endocrine neoplasia, type 1 (MEN1). Also called: MEN I; WERMER SYNDROME; Endocrine adenomatosis multiple; MEN 1; MEA I. Identifiers: Orphanet 652, MedGen C0025267, MeSH D018761, MONDO:0007540, OMIM 131100.

Submissions (3):

Color Diagnostics, LLC DBA Color Health
Classification: Uncertain significance for Multiple endocrine neoplasia, type 1. Last evaluated: 2025-09-05. Review status: criteria provided, single submitter. Criteria: ACMG Guidelines, 2015. Collection method: clinical testing. Allele origin: germline.
Comment: This missense variant replaces arginine with tryptophan at codon 484 of the MEN1 protein. Computational prediction is inconclusive regarding the impact of this variant on protein structure and function. To our knowledge, functional studies have not been reported for this variant. This variant has not been reported in individuals affected with MEN1-related disorders in the literature. This variant has not been identified in the general population by the Genome Aggregation Database (gnomAD). The available evidence is insufficient to determine the role of this variant in disease conclusively. Therefore, this variant is classified as a Variant of Uncertain Significance.

Ambry Genetics
Classification: Uncertain significance for Hereditary cancer-predisposing syndrome. Last evaluated: 2023-02-02. Review status: criteria provided, single submitter. Criteria: Ambry Variant Classification Scheme 2023. Collection method: clinical testing. Allele origin: germline.
Comment: The p.R484W variant (also known as c.1450C>T), located in coding exon 9 of the MEN1 gene, results from a C to T substitution at nucleotide position 1450. The arginine at codon 484 is replaced by tryptophan, an amino acid with dissimilar properties. This amino acid position is conserved. In addition, the in silico prediction for this alteration is inconclusive. Since supporting evidence is limited at this time, the clinical significance of this alteration remains unclear.

Labcorp Genetics (formerly Invitae), Labcorp
Classification: Uncertain significance for Multiple endocrine neoplasia, type 1. Last evaluated: 2021-08-31. Review status: criteria provided, single submitter. Criteria: Invitae Variant Classification Sherloc (09022015). Collection method: clinical testing. Allele origin: germline.
Comment: This sequence change replaces arginine with tryptophan at codon 484 of the MEN1 protein (p.Arg484Trp). The arginine residue is highly conserved and there is a moderate physicochemical difference between arginine and tryptophan. This variant is not present in population databases (ExAC no frequency). This variant has not been reported in the literature in individuals affected with MEN1-related conditions. Algorithms developed to predict the effect of missense changes on protein structure and function are either unavailable or do not agree on the potential impact of this missense change (SIFT: "Deleterious"; PolyPhen-2: "Probably Damaging"; Align-GVGD: "Class C0"). In summary, the available evidence is currently insufficient to determine the role of this variant in disease. Therefore, it has been classified as a Variant of Uncertain Significance.